The following is an entry in ClinVar:

ClinVar aggregate classification (germline): Uncertain significance (1 of 4 stars; one submission).

Conditions:
Norman-Roberts syndrome (LIS2). Also called: Lissencephaly 2 (Norman-Roberts type). Identifiers: Orphanet 89844, MedGen C0796089, MONDO:0009760, OMIM 257320.
Familial temporal lobe epilepsy 7. Identifiers: Orphanet 101046, MedGen C4225327, MONDO:0014639, OMIM 616436.

Allele frequency attached by ClinVar (database versions not stated): gnomAD 0.00001; TOPMed 0.00001.
gnomAD v4.1: 1 of 1,593,094 alleles (0.000063%); highest among the groups gnomAD compares: African/African-American, 0.0013%; no homozygotes.

Submission:

Labcorp Genetics (formerly Invitae), Labcorp
Classification: Uncertain significance for Familial temporal lobe epilepsy 7; Norman-Roberts syndrome. Last evaluated: 2023-10-16. Review status: criteria provided, single submitter. Criteria: Invitae Variant Classification Sherloc (09022015). Collection method: clinical testing. Allele origin: germline.
Comment: This sequence change replaces aspartic acid, which is acidic and polar, with asparagine, which is neutral and polar, at codon 510 of the RELN protein (p.Asp510Asn). This variant is not present in population databases (gnomAD no frequency). This variant has not been reported in the literature in individuals affected with RELN-related conditions. Advanced modeling of protein sequence and biophysical properties (such as structural, functional, and spatial information, amino acid conservation, physicochemical variation, residue mobility, and thermodynamic stability) performed at Invitae indicates that this missense variant is not expected to disrupt RELN protein function. Algorithms developed to predict the effect of sequence changes on RNA splicing suggest that this variant may disrupt the consensus splice site. In summary, the available evidence is currently insufficient to determine the role of this variant in disease. Therefore, it has been classified as a Variant of Uncertain Significance.

NM_005045.4(RELN):c.1528G>A (p.Asp510Asn)

Gene: RELN (reelin; minus strand). Cytogenetic location: 7q22.1.
Variant type: single nucleotide variant.
Coding change: c.1528G>A on transcript NM_005045.4 (MANE Select); coding-DNA position 1528, G replaced by A.
Protein change: p.Asp510Asn; replaces aspartic acid 510 with asparagine.
Molecular consequence: missense variant.
Genome position (GRCh38, 1-based): chr7:103,654,119, C>T on the plus strand (G>A on the coding strand, the complement: RELN is on the minus strand). VCF-style: chr7-103654119-C-T. GRCh37 (hg19) VCF-style: chr7-103294566-C-T.
Other names: c.1528G>A, p.Asp510Asn (NM_173054.3); short protein forms D510N.
Identifiers: ClinVar variation 2932284 (VCV002932284.3), dbSNP rs1237687680, ClinGen allele CA368766310.